The following is an entry in ClinVar:

ClinVar aggregate classification (germline): Uncertain significance (1 of 4 stars; one submission).

Conditions:
Hereditary cancer-predisposing syndrome. Also called: Tumor predisposition; Neoplastic Syndromes, Hereditary; Hereditary neoplastic syndrome; Hereditary Cancer Syndrome. Identifiers: Orphanet 140162, MedGen C0027672, MeSH D009386, MONDO:0015356.

gnomAD v4.1: 1 of 1,614,164 alleles (0.000062%); no homozygotes.

Submission:

Ambry Genetics
Classification: Uncertain significance for Hereditary cancer-predisposing syndrome. Last evaluated: 2024-10-17. Review status: criteria provided, single submitter. Criteria: Ambry Variant Classification Scheme 2023. Collection method: clinical testing. Allele origin: germline.
Comment: The p.T773N variant (also known as c.2318C>A), located in coding exon 16 of the TSC1 gene, results from a C to A substitution at nucleotide position 2318. The threonine at codon 773 is replaced by asparagine, an amino acid with similar properties. This amino acid position is conserved. In addition, this alteration is predicted to be tolerated by in silico analysis. Based on the available evidence, the clinical significance of this variant remains unclear.

NM_000368.5(TSC1):c.2318C>A (p.Thr773Asn)

Gene: TSC1 (TSC complex subunit 1; minus strand). Cytogenetic location: 9q34.13.
Variant type: single nucleotide variant.
Coding change: c.2318C>A on transcript NM_000368.5 (MANE Select); coding-DNA position 2318, C replaced by A.
Protein change: p.Thr773Asn; replaces threonine 773 with asparagine.
Molecular consequence: missense variant. On other transcripts: non-coding transcript variant (5).
Genome position (GRCh38, 1-based): chr9:132,902,678, G>T on the plus strand (C>A on the coding strand, the complement: TSC1 is on the minus strand). VCF-style: chr9-132902678-G-T. GRCh37 (hg19) VCF-style: chr9-135778065-G-T.
Other names: c.2315C>A, p.Thr772Asn (NM_001162426.2, NM_001406597.1, NM_001406598.1 and 4 more transcripts); c.2165C>A, p.Thr722Asn (NM_001162427.2, NM_001406610.1); c.1955C>A, p.Thr652Asn (NM_001362177.2, NM_001406614.1, NM_001406615.1 and 5 more transcripts); c.2318C>A, p.Thr773Asn (NM_001406592.1, NM_001406593.1, NM_001406594.1 and 5 more transcripts); c.2303C>A, p.Thr768Asn (NM_001406601.1, NM_001406602.1); c.2300C>A, p.Thr767Asn (NM_001406603.1, NM_001406604.1); c.2162C>A, p.Thr721Asn (NM_001406611.1, NM_001406612.1, NM_001406613.1); c.1952C>A, p.Thr651Asn (NM_001406620.1, NM_001406621.1, NM_001406622.1 and 2 more transcripts); and 3 more; short protein forms T422N, T652N, T721N, T722N, T767N, T768N, T651N, T772N.
Identifiers: ClinVar variation 3462423 (VCV003462423.1).
Genomic context (GRCh38, chr9:132,902,678, plus strand): 5'-CTCTGGTTGTAGAATTCCTCTCGGTCATGCTGCAGCTGTCTGATCTGGCTGTGGAGCTTG[G>T]TTACCATAGTGTCACGCTGCTCCTGGAGCTGATTGTATCTAGCTTGTTCTTTCTGCAGAC-3'
Protein context (NP_000359.1, residues 763-783): QLQEQRDTMV[Thr773Asn]KLHSQIRQLQ